The following is an entry in ClinVar:

ClinVar aggregate classification (germline): Conflicting classifications of pathogenicity. Review status: criteria provided, conflicting classifications (1 of 4 stars). 4 submissions from 4 submitters: Likely pathogenic (2); Uncertain significance (2). Last evaluated 2026-04-01.

Conditions:
Insulin-dependent diabetes mellitus secretory diarrhea syndrome (IPEX). Also called: IPEX and IPEX-Like; DIABETES MELLITUS, CONGENITAL INSULIN-DEPENDENT, WITH FATAL SECRETORY DIARRHEA; DIARRHEA, POLYENDOCRINOPATHY, FATAL INFECTION SYNDROME, X-LINKED; ENTEROPATHY, AUTOIMMUNE, WITH HEMOLYTIC ANEMIA AND POLYENDOCRINOPATHY; IMMUNODEFICIENCY, POLYENDOCRINOPATHY, AND ENTEROPATHY, X-LINKED; Immunodysregulation, polyendocrinopathy, and enteropathy, X-linked. Identifiers: Orphanet 37042, MedGen C0342288, MONDO:0010580, OMIM 304790. Disease mechanism: loss of function.

Submissions (4):

CeGaT Center for Human Genetics Tuebingen
Classification: Likely pathogenic. Last evaluated: 2026-04-01. Review status: criteria provided, single submitter. Criteria: CeGaT Center For Human Genetics Tuebingen Variant Classification Criteria Version 2. Collection method: clinical testing. Allele origin: germline. Affected: yes. Observed: 2 variant alleles.
Comment: FOXP3: PM1, PM2, PS4:Moderate, PP3

3billion
Classification: Uncertain significance for Insulin-dependent diabetes mellitus secretory diarrhea syndrome. Last evaluated: 2025-10-30. Review status: criteria provided, single submitter. Criteria: ACMG Guidelines, 2015. Collection method: clinical testing. Allele origin: germline. Affected: yes.
Comment: The variant is not observed in the gnomAD v4.1.0 dataset. Predicted Consequence/Location: Missense variant In silico tool predictions suggest damaging effect of the variant on gene or gene product [REVEL: 0.87 (>=0.6, sensitivity 0.68 and specificity 0.92)]. The same nucleotide change resulting in the same amino acid change has been previously reported to be associated with FOXP3-related disorder (PMID: 28457527). However, the evidence of pathogenicity is insufficient at this time. Therefore, this variant is classified as VUS according to the recommendation of ACMG/AMP guideline.

Genesolutions, Medical Genetics Institutes, Ho Chi Minh City, Vietnam
Classification: Likely pathogenic for Insulin-dependent diabetes mellitus secretory diarrhea syndrome. Last evaluated: 2025-09-24. Review status: criteria provided, single submitter. Criteria: ACMG Guidelines, 2015. Collection method: clinical testing. Allele origin: germline. Affected: yes.

Women's Health and Genetics/Laboratory Corporation of America, LabCorp
Classification: Uncertain significance. Last evaluated: 2021-03-22. Review status: criteria provided, single submitter. Criteria: LabCorp Variant Classification Summary - May 2015. Collection method: clinical testing. Allele origin: germline.
Comment: Variant summary: FOXP3 c.1163A>G (p.Asn388Ser) results in a conservative amino acid change located in the Fork head domain (IPR001766) of the encoded protein sequence. Three of five in-silico tools predict a damaging effect of the variant on protein function. The variant was absent in 182787 control chromosomes (gnomAD). The available data on variant occurrences in the general population are insufficient to allow any conclusion about variant significance. c.1163A>G has been reported in the literature in one individual affected with IPEX syndrome (Seghezzo_2017). The report does not provide unequivocal conclusions about association of the variant with Insulin-Dependent Diabetes Mellitus Secretory Diarrhea Syndrome. To our knowledge, no experimental evidence demonstrating an impact on protein function has been reported. No clinical diagnostic laboratories have submitted clinical-significance assessments for this variant to ClinVar after 2014. Based on the evidence outlined above, the variant was classified as uncertain significance.

Literature cited by the submitters: PubMed 28457527 (cited by 3billion and Women's Health and Genetics/Laboratory Corporation of America, LabCorp); PubMed 29241729 (cited by Women's Health and Genetics/Laboratory Corporation of America, LabCorp).

NM_014009.4(FOXP3):c.1163A>G (p.Asn388Ser)

Gene: FOXP3 (forkhead box P3; minus strand). Cytogenetic location: Xp11.23.
Variant type: single nucleotide variant.
Coding change: c.1163A>G on transcript NM_014009.4 (MANE Select); coding-DNA position 1163, A replaced by G.
Protein change: p.Asn388Ser; replaces asparagine 388 with serine.
Molecular consequence: missense variant.
Genome position (GRCh38, 1-based): chrX:49,251,467, T>C on the plus strand (A>G on the coding strand, the complement: FOXP3 is on the minus strand). VCF-style: chrX-49251467-T-C. GRCh37 (hg19) VCF-style: chrX-49107928-T-C.
Other names: c.1058A>G, p.Asn353Ser (NM_001114377.2); short protein forms N353S, N388S.
Identifiers: ClinVar variation 1050823 (VCV001050823.6), dbSNP rs2147944149, ClinGen allele CA412947688.